The following is an entry in ClinVar:

ClinVar aggregate classification (germline): Likely benign. Review status: criteria provided, multiple submitters, no conflicts (2 of 4 stars). 4 submissions from 4 submitters: Likely benign (4). Last evaluated 2026-03-29.

Conditions:
Familial thoracic aortic aneurysm and aortic dissection (TAAD). Also called: Thoracic aortic aneurysms and dissections. Identifiers: Orphanet 91387, MedGen C4707243, MONDO:0019625.
Aortic aneurysm, familial thoracic 4 (AAT4). Also called: AORTIC ANEURYSM/AORTIC DISSECTION AND PATENT DUCTUS ARTERIOSUS. Identifiers: MedGen C1851504, MONDO:0007568, OMIM 132900.

Allele frequency attached by ClinVar (database versions not stated): gnomAD exomes 0.00003; ExAC 0.00004.
gnomAD v4.1: 30 of 1,614,050 alleles (0.0019%); highest among the groups gnomAD compares: East Asian, 0.067%; no homozygotes.

Submissions (4):

Ambry Genetics
Classification: Likely benign for Familial thoracic aortic aneurysm and aortic dissection. Last evaluated: 2026-03-29. Review status: criteria provided, single submitter. Criteria: Ambry Variant Classification Scheme 2023. Collection method: clinical testing. Allele origin: germline.

Labcorp Genetics (formerly Invitae), Labcorp
Classification: Likely benign for Aortic aneurysm, familial thoracic 4. Last evaluated: 2025-05-18. Review status: criteria provided, single submitter. Criteria: Invitae Variant Classification Sherloc (09022015). Collection method: clinical testing. Allele origin: germline.

All of Us Research Program, National Institutes of Health
Classification: Likely benign for Familial thoracic aortic aneurysm and aortic dissection. Last evaluated: 2023-08-15. Review status: criteria provided, single submitter. Criteria: ACMG Guidelines, 2015. Collection method: clinical testing. Allele origin: germline. Inheritance: Autosomal dominant inheritance. Observed: 1 variant allele, 1 heterozygote.
Comment: This study involves interpretation of variants in research participants for the purpose of population health screening. Participant phenotype was not available at the time of variant classification. Additional details can be found in publication PMID: 35346344, PMCID: PMC8962531

Color Diagnostics, LLC DBA Color Health
Classification: Likely benign for Familial thoracic aortic aneurysm and aortic dissection. Last evaluated: 2020-06-29. Review status: criteria provided, single submitter. Criteria: ACMG Guidelines, 2015. Collection method: clinical testing. Allele origin: germline.

NM_002474.3(MYH11):c.5064C>T (p.Asp1688=)

Genes: MYH11 (myosin heavy chain 11; minus strand), NDE1 (nudE neurodevelopment protein 1; plus strand). Cytogenetic location: 16p13.11.
Variant type: single nucleotide variant.
Coding change: c.5064C>T on transcript NM_002474.3 (MANE Select); coding-DNA position 5064, C replaced by T.
Protein change: p.Asp1688=; no amino-acid change (aspartic acid 1688 retained).
Molecular consequence: synonymous variant. On other transcripts: intron variant (2).
Genome position (GRCh38, 1-based): chr16:15,719,603, G>A on the plus strand (C>T on the coding strand, the complement: MYH11 is on the minus strand). VCF-style: chr16-15719603-G-A. GRCh37 (hg19) VCF-style: chr16-15813460-G-A.
Other names: c.5064C>T (NM_002474.2); c.5085C>T, p.Asp1695= (NM_001040113.2, NM_001040114.2); c.5064C>T, p.Asp1688= (NM_022844.3); c.948-4588G>A (NM_001143979.2, NM_017668.3).
Identifiers: ClinVar variation 1098057 (VCV001098057.13), dbSNP rs751375975, ClinGen allele CA7921462.